The following is an entry in ClinVar:

ClinVar aggregate classification (germline): Conflicting classifications of pathogenicity. Review status: criteria provided, conflicting classifications (1 of 4 stars). 4 submissions from 4 submitters: Uncertain significance (3); Likely benign (1). Last evaluated 2025-10-22.

Conditions:
Inborn genetic diseases. Identifiers: MedGen C0950123, MeSH D030342.
Hypoparathyroidism, deafness, renal disease syndrome (HDRS). Also called: HYPOPARATHYROIDISM, SENSORINEURAL DEAFNESS, AND RENAL DYSPLASIA SYNDROME. Identifiers: Orphanet 2237, MedGen C1840333, MONDO:0007797, OMIM 146255.

gnomAD v4.1: 34 of 1,576,502 alleles (0.0022%); highest among the groups gnomAD compares: African/African-American, 0.0081%; no homozygotes.

Submissions (4):

Ambry Genetics
Classification: Uncertain significance for Inborn genetic diseases. Last evaluated: 2025-10-22. Review status: criteria provided, single submitter. Criteria: Ambry Variant Classification Scheme 2023. Collection method: clinical testing. Allele origin: germline.

Labcorp Genetics (formerly Invitae), Labcorp
Classification: Uncertain significance. Last evaluated: 2025-08-11. Review status: criteria provided, single submitter. Criteria: Invitae Variant Classification Sherloc (09022015). Collection method: clinical testing. Allele origin: germline.
Comment: This sequence change replaces proline, which is neutral and non-polar, with leucine, which is neutral and non-polar, at codon 29 of the GATA3 protein (p.Pro29Leu). This variant is present in population databases (rs758750439, gnomAD 0.005%). This variant has not been reported in the literature in individuals affected with GATA3-related conditions. ClinVar contains an entry for this variant (Variation ID: 3379943). An algorithm developed to predict the effect of missense changes on protein structure and function (PolyPhen-2) suggests that this variant is likely to be disruptive. In summary, the available evidence is currently insufficient to determine the role of this variant in disease. Therefore, it has been classified as a Variant of Uncertain Significance.

Fulgent Genetics
Classification: Likely benign for Hypoparathyroidism, deafness, renal disease syndrome. Last evaluated: 2024-03-11. Review status: criteria provided, single submitter. Criteria: ACMG Guidelines, 2015. Collection method: clinical testing. Allele origin: germline.

Mayo Clinic Laboratories, Mayo Clinic
Classification: Uncertain significance. Last evaluated: 2024-03-01. Review status: criteria provided, single submitter. Criteria: ACMG Guidelines, 2015. Collection method: clinical testing. Allele origin: germline. Observed: 1 variant allele.

NM_001002295.2(GATA3):c.86C>T (p.Pro29Leu)

Gene: GATA3 (GATA binding protein 3; plus strand). Cytogenetic location: 10p14.
Variant type: single nucleotide variant.
Coding change: c.86C>T on transcript NM_001002295.2 (MANE Select); coding-DNA position 86, C replaced by T.
Protein change: p.Pro29Leu; replaces proline 29 with leucine.
Molecular consequence: missense variant.
Genome position (GRCh38, 1-based): chr10:8,055,741, C>T. VCF-style: chr10-8055741-C-T. GRCh37 (hg19) VCF-style: chr10-8097704-C-T.
Other names: p.Pro29Leu; c.86C>T, p.Pro29Leu (NM_002051.3); c.86C>T (NM_001002295.1); short protein forms P29L.
Identifiers: ClinVar variation 3379943 (VCV003379943.4).